The following is an entry in ClinVar:

ClinVar aggregate classification (germline): Uncertain significance (1 of 4 stars; one submission).

Submission:

Labcorp Genetics (formerly Invitae), Labcorp
Classification: Uncertain significance. Last evaluated: 2023-03-09. Review status: criteria provided, single submitter. Criteria: Invitae Variant Classification Sherloc (09022015). Collection method: clinical testing. Allele origin: germline.
Comment: This variant is present in population databases (no rsID available, gnomAD 0.003%). This sequence change results in a frameshift in the WNK4 gene (p.Asp1239Metfs*29). While this is not anticipated to result in nonsense mediated decay, it is expected to disrupt the last 5 amino acid(s) of the WNK4 protein and extend the protein by 23 additional amino acid residues. This variant has not been reported in the literature in individuals affected with WNK4-related conditions. In summary, the available evidence is currently insufficient to determine the role of this variant in disease. Therefore, it has been classified as a Variant of Uncertain Significance.

NM_032387.5(WNK4):c.3715del (p.Asp1239fs)

Gene: WNK4 (WNK lysine deficient protein kinase 4; plus strand). Cytogenetic location: 17q21.2.
Variant type: Deletion.
Coding change: c.3715del on transcript NM_032387.5 (MANE Select); coding-DNA position 3715, one base deleted (G; older notation c.3715delG).
Protein change: p.Asp1239fs; shifts the reading frame from aspartic acid 1239.
Molecular consequence: frameshift variant.
Genome position (GRCh38, 1-based): chr17:42,796,564, G deleted; the last of 4 consecutive G bases (chr17:42,796,561-42,796,564); deleting any one gives the same sequence. VCF-style (leftmost placement, unchanged base first): chr17-42796560-CG-C. GRCh37 (hg19) VCF-style: chr17-40948578-CG-C.
Other names: c.2707del, p.Asp903fs (NM_001321299.2); short protein forms D903fs, D1239fs.
Identifiers: ClinVar variation 3013037 (VCV003013037.3), dbSNP rs1567656089, ClinGen allele CA626064024.